The following is an entry in ClinVar:

NM_031372.4(HNRNPDL):c.1049T>C (p.Phe350Ser)

Gene: HNRNPDL (heterogeneous nuclear ribonucleoprotein D like; minus strand). Cytogenetic location: 4q21.22.
Variant type: single nucleotide variant.
Coding change: c.1049T>C on transcript NM_031372.4 (MANE Select); coding-DNA position 1049, T replaced by C.
Protein change: p.Phe350Ser; replaces phenylalanine 350 with serine.
Molecular consequence: missense variant. On other transcripts: non-coding transcript variant (1), intron variant (1).
Genome position (GRCh38, 1-based): chr4:82,426,606, A>G on the plus strand (T>C on the coding strand, the complement: HNRNPDL is on the minus strand). VCF-style: chr4-82426606-A-G. GRCh37 (hg19) VCF-style: chr4-83347759-A-G.
Other names: p.Phe350Ser; c.1022-477T>C (NM_001207000.1); c.1049T>C (NM_031372.3); short protein forms F350S.
Identifiers: ClinVar variation 1462507 (VCV001462507.7), dbSNP rs775087317, ClinGen allele CA2984785.

ClinVar aggregate classification (germline): Uncertain significance. Review status: criteria provided, multiple submitters, no conflicts (2 of 4 stars). 2 submissions from 2 submitters: Uncertain significance (2). Last evaluated 2025-10-02.

Conditions:
Autosomal dominant limb-girdle muscular dystrophy type 1G (LGMDD3). Also called: Limb-girdle muscular dystrophy, type 1G; MUSCULAR DYSTROPHY, LIMB-GIRDLE, AUTOSOMAL DOMINANT 3. Identifiers: Orphanet 55596, MedGen C1836765, MONDO:0012193, OMIM 609115.

Allele frequency attached by ClinVar (database versions not stated): TOPMed below 0.00001; gnomAD 0.00001; gnomAD exomes 0.00001 and 0.00002; ExAC 0.00002.
gnomAD v4.1: 29 of 1,613,736 alleles (0.0018%); highest among the groups gnomAD compares: Non-Finnish European, 0.0025%; no homozygotes.

Submissions (2):

Labcorp Genetics (formerly Invitae), Labcorp
Classification: Uncertain significance for Autosomal dominant limb-girdle muscular dystrophy type 1G. Last evaluated: 2025-10-02. Review status: criteria provided, single submitter. Criteria: Invitae Variant Classification Sherloc (09022015). Collection method: clinical testing. Allele origin: germline.
Comment: This sequence change replaces phenylalanine, which is neutral and non-polar, with serine, which is neutral and polar, at codon 350 of the HNRNPDL protein (p.Phe350Ser). This variant is present in population databases (rs775087317, gnomAD 0.002%). This variant has not been reported in the literature in individuals affected with HNRNPDL-related conditions. ClinVar contains an entry for this variant (Variation ID: 1462507). An algorithm developed to predict the effect of missense changes on protein structure and function (PolyPhen-2) suggests that this variant is likely to be disruptive. In summary, the available evidence is currently insufficient to determine the role of this variant in disease. Therefore, it has been classified as a Variant of Uncertain Significance.

Mayo Clinic Laboratories, Mayo Clinic
Classification: Uncertain significance. Last evaluated: 2022-03-18. Review status: criteria provided, single submitter. Criteria: ACMG Guidelines, 2015. Collection method: clinical testing. Allele origin: germline. Observed: 1 variant allele.